The following is an entry in ClinVar:

ClinVar aggregate classification (germline): Uncertain significance. Review status: criteria provided, multiple submitters, no conflicts (2 of 4 stars). 4 submissions from 4 submitters: Uncertain significance (4). Last evaluated 2024-09-19.

Conditions:
Combined immunodeficiency due to ZAP70 deficiency (IMD48). Also called: Immunodeficiency 48; ZAP70 Deficiency. Identifiers: Orphanet 911, MedGen C2931299, MONDO:0010023, OMIM 269840.
Autoimmune disease, multisystem, infantile-onset, 2 (ADMIO2). Identifiers: MedGen C4310768, MONDO:0014861, OMIM 617006.

Allele frequency attached by ClinVar (database versions not stated): TOPMed 0.00001; gnomAD 0.00005.
gnomAD v4.1: 64 of 1,614,016 alleles (0.004%); highest among the groups gnomAD compares: Middle Eastern, 0.016%; 1 homozygote.

Submissions (4):

Blueprint Genetics
Classification: Uncertain significance. Last evaluated: 2024-09-19. Review status: criteria provided, single submitter. Criteria: ACMG Guidelines, 2015. Collection method: clinical testing. Allele origin: germline.

Women's Health and Genetics/Laboratory Corporation of America, LabCorp
Classification: Uncertain significance. Last evaluated: 2024-03-27. Review status: criteria provided, single submitter. Criteria: LabCorp Variant Classification Summary - May 2015. Collection method: clinical testing. Allele origin: germline.
Comment: Variant summary: ZAP70 c.1153C>T (p.Arg385Cys) results in a non-conservative amino acid change located in the Protein kinase domain (IPR000719) of the encoded protein sequence. Five of five in-silico tools predict a damaging effect of the variant on protein function. The variant allele was found at a frequency of 6e-05 in 251340 control chromosomes (gnomAD). This frequency is not significantly higher than estimated for a pathogenic variant in ZAP70 causing Severe Combined Immunodeficiency (6e-05 vs 0.00035), allowing no conclusion about variant significance. c.1153C>T has been reported in the literature in an individual affected with ZAP70 deficiency (Honig_2012). These data indicate that the variant may be associated with disease. To our knowledge, no experimental evidence demonstrating an impact on protein function has been reported. The following publication has been ascertained in the context of this evaluation (PMID: 21441961). ClinVar contains an entry for this variant (Variation ID: 1008659). Based on the evidence outlined above, the variant was classified as VUS-possibly pathogenic.

Labcorp Genetics (formerly Invitae), Labcorp
Classification: Uncertain significance for Combined immunodeficiency due to ZAP70 deficiency. Last evaluated: 2022-08-21. Review status: criteria provided, single submitter. Criteria: Invitae Variant Classification Sherloc (09022015). Collection method: clinical testing. Allele origin: germline.
Comment: This sequence change replaces arginine, which is basic and polar, with cysteine, which is neutral and slightly polar, at codon 385 of the ZAP70 protein (p.Arg385Cys). This variant is present in population databases (rs199944085, gnomAD 0.01%). This missense change has been observed in individual(s) with ZAP70 deficiency (PMID: 21441961). It has also been observed to segregate with disease in related individuals. ClinVar contains an entry for this variant (Variation ID: 1008659). Algorithms developed to predict the effect of missense changes on protein structure and function are either unavailable or do not agree on the potential impact of this missense change (SIFT: "Not Available"; PolyPhen-2: "Possibly Damaging"; Align-GVGD: "Not Available"). In summary, the available evidence is currently insufficient to determine the role of this variant in disease. Therefore, it has been classified as a Variant of Uncertain Significance.

Department of Pathology and Laboratory Medicine, Sinai Health System
Classification: Uncertain significance for Combined immunodeficiency due to ZAP70 deficiency; Autoimmune disease, multisystem, infantile-onset, 2. Last evaluated: 2021-09-25. Review status: criteria provided, single submitter. Criteria: ACMG Guidelines, 2015. Collection method: research. Allele origin: germline.

Literature cited by the submitters: PubMed 21441961 (cited by Women's Health and Genetics/Laboratory Corporation of America, LabCorp and Labcorp Genetics (formerly Invitae), Labcorp).

NM_001079.4(ZAP70):c.1153C>T (p.Arg385Cys)

Gene: ZAP70 (zeta chain of T cell receptor associated protein kinase 70; plus strand). Cytogenetic location: 2q11.2.
Variant type: single nucleotide variant.
Coding change: c.1153C>T on transcript NM_001079.4 (MANE Select); coding-DNA position 1153, C replaced by T.
Protein change: p.Arg385Cys; replaces arginine 385 with cysteine.
Molecular consequence: missense variant.
Genome position (GRCh38, 1-based): chr2:97,735,320, C>T. VCF-style: chr2-97735320-C-T. GRCh37 (hg19) VCF-style: chr2-98351783-C-T.
Other names: c.1153C>T, p.Arg385Cys (NM_001378594.1); c.232C>T, p.Arg78Cys (NM_207519.2); short protein forms R385C, R78C.
Identifiers: ClinVar variation 1008659 (VCV001008659.8), dbSNP rs199944085, ClinGen allele CA1790387.